The following is an entry in ClinVar:

NM_004493.3(HSD17B10):c.136G>C (p.Gly46Arg)

Gene: HSD17B10 (hydroxysteroid 17-beta dehydrogenase 10; minus strand). Cytogenetic location: Xp11.22.
Variant type: single nucleotide variant.
Coding change: c.136G>C on transcript NM_004493.3 (MANE Select); coding-DNA position 136, G replaced by C.
Protein change: p.Gly46Arg; replaces glycine 46 with arginine.
Molecular consequence: missense variant.
Genome position (GRCh38, 1-based): chrX:53,433,778, C>G on the plus strand (G>C on the coding strand, the complement: HSD17B10 is on the minus strand). VCF-style: chrX-53433778-C-G. GRCh37 (hg19) VCF-style: chrX-53460725-C-G.
Other names: c.136G>C, p.Gly46Arg (NM_001037811.2); short protein forms G46R.
Identifiers: ClinVar variation 4527489 (VCV004527489.1).

ClinVar aggregate classification (germline): Uncertain significance (1 of 4 stars; one submission).

Submission:

GeneDx
Classification: Uncertain significance. Last evaluated: 2025-04-25. Review status: criteria provided, single submitter. Criteria: GeneDx Variant Classification Process June 2021. Collection method: clinical testing. Allele origin: germline. Affected: yes.
Comment: Not observed at significant frequency in large population cohorts (gnomAD); In silico analysis indicates that this missense variant does not alter protein structure/function; Has not been previously published as pathogenic or benign to our knowledge